The following is an entry in ClinVar:

ClinVar aggregate classification (germline): Uncertain significance. Review status: criteria provided, multiple submitters, no conflicts (2 of 4 stars). 2 submissions from 2 submitters: Uncertain significance (2). Last evaluated 2024-07-24.

Allele frequency attached by ClinVar (database versions not stated): gnomAD exomes below 0.00001.
gnomAD v4.1: 1 of 1,614,164 alleles (0.000062%); highest among the groups gnomAD compares: Non-Finnish European, 0.000085%; no homozygotes.

Submissions (2):

Women's Health and Genetics/Laboratory Corporation of America, LabCorp
Classification: Uncertain significance. Last evaluated: 2024-07-24. Review status: criteria provided, single submitter. Criteria: LabCorp Variant Classification Summary - May 2015. Collection method: clinical testing. Allele origin: germline.
Comment: Variant summary: DYNC1H1 c.4015G>T (p.Val1339Phe) results in a non-conservative amino acid change located in the Dynein heavy chain, linker (IPR013602) of the encoded protein sequence. Four of five in-silico tools predict a damaging effect of the variant on protein function. The variant allele was found at a frequency of 4e-06 in 251488 control chromosomes. The available data on variant occurrences in the general population are insufficient to allow any conclusion about variant significance. To our knowledge, no occurrence of c.4015G>T in individuals affected with DYNC1H1-Related Disorders and no experimental evidence demonstrating its impact on protein function have been reported. ClinVar contains an entry for this variant (Variation ID: 2502535). Based on the evidence outlined above, the variant was classified as uncertain significance.

GeneDx
Classification: Uncertain significance. Last evaluated: 2022-11-18. Review status: criteria provided, single submitter. Criteria: GeneDx Variant Classification Process June 2021. Collection method: clinical testing. Allele origin: germline. Affected: yes.
Comment: In silico analysis supports that this missense variant has a deleterious effect on protein structure/function; Has not been previously published as pathogenic or benign to our knowledge; This variant is associated with the following publications: (PMID: 25512093, 25609763, 26100331)

NM_001376.5(DYNC1H1):c.4015G>T (p.Val1339Phe)

Gene: DYNC1H1 (dynein cytoplasmic 1 heavy chain 1; plus strand). Cytogenetic location: 14q32.31.
Variant type: single nucleotide variant.
Coding change: c.4015G>T on transcript NM_001376.5 (MANE Select); coding-DNA position 4015, G replaced by T.
Protein change: p.Val1339Phe; replaces valine 1339 with phenylalanine.
Molecular consequence: missense variant.
Genome position (GRCh38, 1-based): chr14:102,000,340, G>T. VCF-style: chr14-102000340-G-T. GRCh37 (hg19) VCF-style: chr14-102466677-G-T.
Other names: short protein forms V1339F.
Identifiers: ClinVar variation 2502535 (VCV002502535.2), dbSNP rs1350425668, ClinGen allele CA391039249.